The following is an entry in ClinVar:

NM_015443.4(KANSL1):c.3312_3313del (p.His1104fs)

Gene: KANSL1 (KAT8 regulatory NSL complex subunit 1). Cytogenetic location: 17q21.31.
Variant type: Microsatellite.
Coding change: c.3312_3313del on transcript NM_015443.4 (MANE Select); coding-DNA positions 3312 to 3313, 2 bases deleted.
Protein change: p.His1104fs; shifts the reading frame from histidine 1104.
Molecular consequence: frameshift variant.
Genome position: GRCh38 VCF-style: chr17-46031480-CTG-C. GRCh37 (hg19) VCF-style: chr17-44108846-CTG-C.
Other names: c.3312_3313delCA (NM_001193466.1); c.3309_3310del, p.His1103fs (NM_001193465.2); c.3312_3313del, p.His1104fs (NM_001193466.2, NM_001379198.1); short protein forms H1103fs, H1104fs.
Identifiers: ClinVar variation 424157 (VCV000424157.8), dbSNP rs761370843, ClinGen allele CA8618321.
Genomic context (GRCh38, chr17:46,031,480, plus strand): 5'-TTTCTGAAGCTTTAATGCCAATAGTTAGTGAGTCTGTTTAGATGGCTGTCTCCCGCTCAT[CTG>C]TGAGTCGGGCGCTGAGCTGTGGCTGCTGCCACCAGATGCCGACTCTTGAGGGGGACAATG-3'

ClinVar aggregate classification (germline): Uncertain significance. Review status: criteria provided, multiple submitters, no conflicts (2 of 4 stars). 2 submissions from 2 submitters: Uncertain significance (2). Last evaluated 2022-01-07.

Conditions:
Koolen-de Vries syndrome (KDVS). Identifiers: Orphanet 96169, MedGen C1864871, MONDO:0012496, OMIM 610443.

Submissions (2):

Labcorp Genetics (formerly Invitae), Labcorp
Classification: Uncertain significance for Koolen-de Vries syndrome. Last evaluated: 2022-01-07. Review status: criteria provided, single submitter. Criteria: Invitae Variant Classification Sherloc (09022015). Collection method: clinical testing. Allele origin: germline.
Comment: This variant is present in population databases (rs761370843, gnomAD 0.006%). This sequence change results in a frameshift in the KANSL1 gene (p.His1104Glnfs*13). While this is not anticipated to result in nonsense mediated decay, it is expected to disrupt the last 2 amino acid(s) of the KANSL1 protein and extend the protein by 10 additional amino acid residues. This variant has not been reported in the literature in individuals affected with KANSL1-related conditions. ClinVar contains an entry for this variant (Variation ID: 424157). Experimental studies and prediction algorithms are not available or were not evaluated, and the functional significance of this variant is currently unknown. In summary, the available evidence is currently insufficient to determine the role of this variant in disease. Therefore, it has been classified as a Variant of Uncertain Significance.

GeneDx
Classification: Uncertain significance. Last evaluated: 2019-06-03. Review status: criteria provided, single submitter. Criteria: GeneDx Variant Classification Process June 2021. Collection method: clinical testing. Allele origin: germline. Affected: yes.
Comment: Frameshift variant predicted to result in protein truncation as the last 2 amino acids are lost and replaced with 12] incorrect amino acids, although loss-of-function variants have not been reported downstream of this position in the protein; Has not been previously published as pathogenic or benign to our knowledge